The following is an entry in ClinVar:

ClinVar aggregate classification (germline): Uncertain significance (1 of 4 stars; one submission).

Conditions:
Charcot-Marie-Tooth disease type 4. Also called: Charcot-Marie-Tooth disease, type IV; Charcot-Marie-Tooth, Type 4. Identifiers: Orphanet 64749, MedGen C4082197, MONDO:0018995.

Submission:

Labcorp Genetics (formerly Invitae), Labcorp
Classification: Uncertain significance for Charcot-Marie-Tooth disease type 4. Last evaluated: 2024-10-15. Review status: criteria provided, single submitter. Criteria: Invitae Variant Classification Sherloc (09022015). Collection method: clinical testing. Allele origin: germline.
Comment: This sequence change replaces arginine, which is basic and polar, with tryptophan, which is neutral and slightly polar, at codon 206 of the PRX protein (p.Arg206Trp). Information on the frequency of this variant in the gnomAD database is not available, as this variant may be reported differently in the database. This variant has not been reported in the literature in individuals affected with PRX-related conditions. ClinVar contains an entry for this variant (Variation ID: 575337). Experimental studies and prediction algorithms are not available or were not evaluated, and the functional significance of this variant is currently unknown. In summary, the available evidence is currently insufficient to determine the role of this variant in disease. Therefore, it has been classified as a Variant of Uncertain Significance.

NM_181882.3(PRX):c.615_616delinsTT (p.Arg206Trp)

Gene: PRX (periaxin; minus strand). Cytogenetic location: 19q13.2.
Variant type: Indel.
Coding change: c.615_616delinsTT on transcript NM_181882.3 (MANE Select); coding-DNA positions 615 to 616, CC replaced by TT.
Protein change: p.Arg206Trp; replaces arginine 206 with tryptophan.
Molecular consequence: missense variant. On other transcripts: 3 prime UTR variant (1).
Genome position (GRCh38, 1-based): chr19:40,397,736-40,397,737, GG replaced by AA on the plus strand (CC replaced by TT on the coding strand, the reverse complement: PRX is on the minus strand). VCF-style: chr19-40397736-GG-AA. GRCh37 (hg19) VCF-style: chr19-40903643-GG-AA.
Other names: c.*820_*821delinsTT (NM_020956.2); c.615_616delCCinsTT (NM_181882.2); short protein forms R206W.
Identifiers: ClinVar variation 575337 (VCV000575337.7), dbSNP rs1568709522, ClinGen allele CA891843662.